The following is an entry in ClinVar:

NM_004744.5(LRAT):c.312del (p.Val105fs)

Gene: LRAT (lecithin retinol acyltransferase; plus strand). Cytogenetic location: 4q32.1.
Variant type: Deletion.
Coding change: c.312del on transcript NM_004744.5 (MANE Select); coding-DNA position 312, one base deleted (A; older notation c.312delA).
Protein change: p.Val105fs; shifts the reading frame from valine 105.
Molecular consequence: frameshift variant.
Genome position (GRCh38, 1-based): chr4:154,744,638, A deleted; the last of 3 consecutive A bases (chr4:154,744,636-154,744,638); deleting any one gives the same sequence. VCF-style (leftmost placement, unchanged base first): chr4-154744635-CA-C. GRCh37 (hg19) VCF-style: chr4-155665787-CA-C.
Other names: c.312del, p.Val105fs (NM_001301645.2); short protein forms V105fs.
Identifiers: ClinVar variation 1359044 (VCV001359044.6), dbSNP rs2111032788, ClinGen allele CA2573138140.
Genomic context (GRCh38, chr4:154,744,635, plus strand): 5'-CGACATGGGGCGCACGCAGAAGGTGGTCTCCAACAAGCGTCTCATCCTGGGCGTTATTGT[CA>C]AAGTGGCCAGCATCCGCGTGGACACAGTGGAGGACTTCGCCTACGGAGCTAACATCCTGG-3'

ClinVar aggregate classification (germline): Pathogenic (1 of 4 stars; one submission).

Submission:

Labcorp Genetics (formerly Invitae), Labcorp
Classification: Pathogenic. Last evaluated: 2025-09-10. Review status: criteria provided, single submitter. Criteria: Invitae Variant Classification Sherloc (09022015). Collection method: clinical testing. Allele origin: germline.
Comment: This sequence change creates a premature translational stop signal (p.Val105Trpfs*61) in the LRAT gene. It is expected to result in an absent or disrupted protein product. Loss-of-function variants in LRAT are known to be pathogenic (PMID: 22559933, 24265693). This variant is not present in population databases (gnomAD no frequency). This premature translational stop signal has been observed in individual(s) with retinal disease (PMID: 31429209). ClinVar contains an entry for this variant (Variation ID: 1359044). For these reasons, this variant has been classified as Pathogenic.

Literature cited by the submitters: PubMed 22559933; PubMed 24265693; PubMed 31429209.